The following is an entry in ClinVar:

ClinVar aggregate classification (germline): Uncertain significance (1 of 4 stars; one submission).

Conditions:
LRRC45-related disorder. Also called: LRRC45-related condition.

gnomAD v4.1: 47 of 1,544,590 alleles (0.003%); highest among the groups gnomAD compares: East Asian, 0.11%; no homozygotes.

Submission:

PreventionGenetics, part of Exact Sciences
Classification: Uncertain significance for LRRC45-related condition. Last evaluated: 2026-03-31. Review status: criteria provided, single submitter. Criteria: ACMG Guidelines, 2015. Collection method: clinical testing. Allele origin: germline.
Comment: The LRRC45 c.1604C>G variant is predicted to result in the amino acid substitution p.Thr535Ser. To our knowledge, this variant has not been reported in the literature. This variant is reported in 0.38% of alleles in individuals of East Asian descent in gnomAD. Although we suspect that this variant may be benign, at this time, the clinical significance of this variant is uncertain due to the absence of conclusive functional and genetic evidence.

NM_144999.4(LRRC45):c.1604C>G (p.Thr535Ser)

Gene: LRRC45 (leucine rich repeat containing 45; plus strand). Cytogenetic location: 17q25.3.
Variant type: single nucleotide variant.
Coding change: c.1604C>G on transcript NM_144999.4 (MANE Select); coding-DNA position 1604, C replaced by G.
Protein change: p.Thr535Ser; replaces threonine 535 with serine.
Molecular consequence: missense variant.
Genome position (GRCh38, 1-based): chr17:82,030,174, C>G. VCF-style: chr17-82030174-C-G. GRCh37 (hg19) VCF-style: chr17-79988050-C-G.
Other names: short protein forms T535S.
Identifiers: ClinVar variation 4993938 (VCV004993938.1).
Genomic context (GRCh38, chr17:82,030,174, plus strand): 5'-CACGGGACGAGGCGCAGGGCGCTTGCCTACAGCAGAAGCAGGTGGTGGCCGAGGCCCAGA[C>G]CCGGGTCAGCCAGCTGGGCCTGCAAGTTGAGGGCCTGCGGCGGCGCCTGGAAGAGCTGCA-3'
Protein context (NP_659436.1, residues 525-545): QQKQVVAEAQ[Thr535Ser]RVSQLGLQVE